The following is an entry in ClinVar:

NM_015662.3(IFT172):c.2976-2A>T

Gene: IFT172 (intraflagellar transport 172; minus strand). Cytogenetic location: 2p23.3.
Variant type: single nucleotide variant.
Coding change: c.2976-2A>T on transcript NM_015662.3 (MANE Select); the canonical splice acceptor site of the intron before coding-DNA position 2976, A replaced by T.
Molecular consequence: splice acceptor variant.
Genome position (GRCh38, 1-based): chr2:27,457,978, T>A on the plus strand (A>T on the coding strand, the complement: IFT172 is on the minus strand). VCF-style: chr2-27457978-T-A. GRCh37 (hg19) VCF-style: chr2-27680845-T-A.
Other names: c.2910-2A>T (NM_001410739.1).
Identifiers: ClinVar variation 2303199 (VCV002303199.3), dbSNP rs1666303205, ClinGen allele CA346380931.

ClinVar aggregate classification (germline): Likely pathogenic. Review status: criteria provided, multiple submitters, no conflicts (2 of 4 stars). 2 submissions from 2 submitters: Likely pathogenic (2). Last evaluated 2024-05-19.

Conditions:
Bardet-Biedl syndrome 20. Identifiers: MedGen C4310707, MONDO:0023670, OMIM 619471, MONDO:0014926.
Short-rib thoracic dysplasia 10 with or without polydactyly (SRTD10). Identifiers: Orphanet 474, MedGen C3810175, MONDO:0014284, OMIM 615630.
Retinitis pigmentosa 71 (RP71). Identifiers: Orphanet 791, MedGen C4225342, MONDO:0014618, OMIM 616394.
Inborn genetic diseases. Identifiers: MedGen C0950123, MeSH D030342.

Allele frequency attached by ClinVar (database versions not stated): gnomAD exomes below 0.00001; gnomAD 0.00001; TOPMed 0.00001.
gnomAD v4.1: 2 of 1,614,052 alleles (0.00012%); highest among the groups gnomAD compares: African/African-American, 0.0027%; no homozygotes.

Submissions (2):

Fulgent Genetics
Classification: Likely pathogenic for Short-rib thoracic dysplasia 10 with or without polydactyly; Retinitis pigmentosa 71; Bardet-Biedl syndrome 20. Last evaluated: 2024-05-19. Review status: criteria provided, single submitter. Criteria: ACMG Guidelines, 2015. Collection method: clinical testing. Allele origin: germline.

Ambry Genetics
Classification: Likely pathogenic for Inborn genetic diseases. Last evaluated: 2022-08-30. Review status: criteria provided, single submitter. Criteria: Ambry Variant Classification Scheme 2023. Collection method: clinical testing. Allele origin: germline.
Comment: The c.2976-2A>T intronic variant results from an A to T substitution two nucleotides before coding exon 28 of the IFT172 gene. Alterations that disrupt the canonical splice site are expected to cause aberrant splicing, resulting in an abnormal protein or a transcript that is subject to nonsense-mediated mRNA decay. This variant was not reported in population-based cohorts in the Genome Aggregation Database (gnomAD). Based on the available evidence, this alteration is classified as likely pathogenic.